The following is an entry in ClinVar:

NM_001308093.3(GATA4):c.1210C>G (p.Leu404Val)

Gene: GATA4 (GATA binding protein 4). Cytogenetic location: 8p23.1.
Variant type: single nucleotide variant.
Coding change: c.1210C>G on transcript NM_001308093.3 (MANE Select); coding-DNA position 1210, C replaced by G.
Protein change: p.Leu404Val; replaces leucine 404 with valine.
Molecular consequence: missense variant.
Genome position (GRCh38, 1-based): chr8:11,758,353, C>G. VCF-style: chr8-11758353-C-G. GRCh37 (hg19) VCF-style: chr8-11615862-C-G.
Other names: c.589C>G, p.Leu197Val (NM_001308094.2, NM_001374273.1); c.463C>G, p.Leu155Val (NM_001374274.1); c.1207C>G, p.Leu403Val (NM_002052.5); short protein forms L403V, L404V, L197V, L155V.
Identifiers: ClinVar variation 1749067 (VCV001749067.3), dbSNP rs777778466, ClinGen allele CA370315645.
Genomic context (GRCh38, chr8:11,758,353, plus strand): 5'-ACGTTCTCAGTCAGTGCGATGTCTGGCCATGGGCCCTCCATCCACCCTGTCCTCTCGGCC[C>G]TGAAGCTCTCCCCACAAGGCTATGCGTCTCCCGTCAGCCAGTCTCCACAGACCAGCTCCA-3'
Protein context (NP_001295022.1, residues 394-414): GPSIHPVLSA[Leu404Val]KLSPQGYASP

ClinVar aggregate classification (germline): Uncertain significance (1 of 4 stars; one submission).

Conditions:
Cardiovascular phenotype. Identifiers: MedGen CN230736.

gnomAD v4.1: 2 of 1,614,228 alleles (0.00012%); highest among the groups gnomAD compares: Non-Finnish European, 0.00017%; no homozygotes.

Submission:

Ambry Genetics
Classification: Uncertain significance for Cardiovascular phenotype. Last evaluated: 2024-11-18. Review status: criteria provided, single submitter. Criteria: Ambry Variant Classification Scheme 2023. Collection method: clinical testing. Allele origin: germline.
Comment: The p.L403V variant (also known as c.1207C>G), located in coding exon 6 of the GATA4 gene, results from a C to G substitution at nucleotide position 1207. The leucine at codon 403 is replaced by valine, an amino acid with highly similar properties. This amino acid position is conserved. In addition, the in silico prediction for this alteration is inconclusive. Since supporting evidence is limited at this time, the clinical significance of this alteration remains unclear.